The following is an entry in ClinVar:

NM_015375.3(DSTYK):c.655-8C>T

Gene: DSTYK (dual serine/threonine and tyrosine protein kinase; minus strand). Cytogenetic location: 1q32.1.
Variant type: single nucleotide variant.
Coding change: c.655-8C>T on transcript NM_015375.3 (MANE Select); 8 bases into the intron before coding-DNA position 655, C replaced by T.
Molecular consequence: intron variant.
Genome position (GRCh38, 1-based): chr1:205,169,840, G>A on the plus strand (C>T on the coding strand, the complement: DSTYK is on the minus strand). VCF-style: chr1-205169840-G-A. GRCh37 (hg19) VCF-style: chr1-205138968-G-A.
Other names: c.655-8C>T (NM_015375.2, NM_199462.3).
Identifiers: ClinVar variation 916522 (VCV000916522.47), dbSNP rs201628576, ClinGen allele CA1352981.

ClinVar aggregate classification (germline): Benign/Likely benign. Review status: criteria provided, multiple submitters, no conflicts (2 of 4 stars). 4 submissions from 4 submitters: Benign (1); Likely benign (3). Last evaluated 2025-12-01.

Conditions:
DSTYK-related disorder. Also called: DSTYK-related condition.

Allele frequency attached by ClinVar (database versions not stated): gnomAD exomes 0.00052; gnomAD 0.00053 and 0.00054; 1000 Genomes Project 0.00060; TOPMed 0.00060; 1000 Genomes Project 30x 0.00062; ExAC 0.00066; ESP Exome Variant Server 0.00077.
gnomAD v4.1: 859 of 1,603,826 alleles (0.054%); highest among the groups gnomAD compares: Middle Eastern, 0.12%; no homozygotes.

Submissions (4):

Labcorp Genetics (formerly Invitae), Labcorp
Classification: Benign. Last evaluated: 2025-12-01. Review status: criteria provided, single submitter. Criteria: Invitae Variant Classification Sherloc (09022015). Collection method: clinical testing. Allele origin: germline.

PreventionGenetics, part of Exact Sciences
Classification: Likely benign for DSTYK-related condition. Last evaluated: 2025-04-30. Review status: criteria provided, single submitter. Criteria: ACMG Guidelines, 2015. Collection method: clinical testing. Allele origin: germline.
Comment: This variant is classified as likely benign based on ACMG/AMP sequence variant interpretation guidelines (Richards et al. 2015 PMID: 25741868, with internal and published modifications).

Blueprint Genetics
Classification: Likely benign. Last evaluated: 2024-11-11. Review status: criteria provided, single submitter. Criteria: ACMG Guidelines, 2015. Collection method: clinical testing. Allele origin: germline.

CeGaT Center for Human Genetics Tuebingen
Classification: Likely benign. Last evaluated: 2020-03-01. Review status: criteria provided, single submitter. Criteria: CeGaT Center For Human Genetics Tuebingen Variant Classification Criteria Version 2. Collection method: clinical testing. Allele origin: germline. Affected: yes. Observed: 1 variant allele.